The following is an entry in ClinVar:

ClinVar aggregate classification (germline): Uncertain significance (1 of 4 stars; one submission).

Conditions:
Cystic fibrosis (CF). Also called: MUCOVISCIDOSIS. Identifiers: Orphanet 586, MedGen C0010674, MONDO:0009061, OMIM 219700. Disease mechanism: loss of function.

Submission:

Ambry Genetics
Classification: Uncertain significance for Cystic fibrosis. Last evaluated: 2023-11-22. Review status: criteria provided, single submitter. Criteria: Ambry Variant Classification Scheme 2023. Collection method: clinical testing. Allele origin: germline.
Comment: The p.L957F variant (also known as c.2869C>T), located in coding exon 17 of the CFTR gene, results from a C to T substitution at nucleotide position 2869. The leucine at codon 957 is replaced by phenylalanine, an amino acid with highly similar properties. This amino acid position is conserved. In addition, the in silico prediction for this alteration is inconclusive. Since supporting evidence is limited at this time, the clinical significance of this alteration remains unclear.

NM_000492.4(CFTR):c.2869C>T (p.Leu957Phe)

Gene: CFTR (CF transmembrane conductance regulator; plus strand). Cytogenetic location: 7q31.2.
Variant type: single nucleotide variant.
Coding change: c.2869C>T on transcript NM_000492.4 (MANE Select); coding-DNA position 2869, C replaced by T.
Protein change: p.Leu957Phe; replaces leucine 957 with phenylalanine.
Molecular consequence: missense variant.
Genome position (GRCh38, 1-based): chr7:117,603,743, C>T. VCF-style: chr7-117603743-C-T. GRCh37 (hg19) VCF-style: chr7-117243797-C-T.
Other names: short protein forms L957F.
Identifiers: ClinVar variation 3231871 (VCV003231871.1), dbSNP rs2485122393, ClinGen allele CA368987416.
Genomic context (GRCh38, chr7:117,603,743, plus strand): 5'-CTGGTGCATACTCTAATCACAGTGTCGAAAATTTTACACCACAAAATGTTACATTCTGTT[C>T]TTCAAGCACCTATGTCAACCCTCAACACGTTGAAAGCAGGTACTTTACTAGGTCTAAGAA-3'
Protein context (NP_000483.3, residues 947-967): ILHHKMLHSV[Leu957Phe]QAPMSTLNTL